The following is an entry in ClinVar:

ClinVar aggregate classification (germline): Likely benign (0 of 4 stars; one submission).

Conditions:
MAPKBP1-related disorder. Also called: MAPKBP1-related condition.

gnomAD v4.1: 4 of 1,613,898 alleles (0.00025%); highest among the groups gnomAD compares: Admixed American, 0.0067%; no homozygotes.

Submission:

PreventionGenetics, part of Exact Sciences
Classification: Likely benign for MAPKBP1-related condition. Last evaluated: 2024-09-10. Review status: no assertion criteria provided. Collection method: clinical testing. Allele origin: germline.
Comment: This variant is classified as likely benign based on ACMG/AMP sequence variant interpretation guidelines (Richards et al. 2015 PMID: 25741868, with internal and published modifications).

NM_014994.3(MAPKBP1):c.3246C>A (p.Val1082=)

Gene: MAPKBP1 (mitogen-activated protein kinase binding protein 1; plus strand). Cytogenetic location: 15q15.1.
Variant type: single nucleotide variant.
Coding change: c.3246C>A on transcript NM_014994.3 (MANE Select); coding-DNA position 3246, C replaced by A.
Protein change: p.Val1082=; no amino-acid change (valine 1082 retained).
Molecular consequence: synonymous variant. On other transcripts: non-coding transcript variant (2).
Genome position (GRCh38, 1-based): chr15:41,822,609, C>A. VCF-style: chr15-41822609-C-A. GRCh37 (hg19) VCF-style: chr15-42114807-C-A.
Other names: c.3264C>A, p.Val1088= (NM_001128608.2); c.3246C>A, p.Val1082= (NM_001265611.2).
Identifiers: ClinVar variation 3355539 (VCV003355539.1).